The following is an entry in ClinVar:

NM_005618.4(DLL1):c.1832A>G (p.Gln611Arg)

Gene: DLL1 (delta like canonical Notch ligand 1; minus strand). Cytogenetic location: 6q27.
Variant type: single nucleotide variant.
Coding change: c.1832A>G on transcript NM_005618.4 (MANE Select); coding-DNA position 1832, A replaced by G.
Protein change: p.Gln611Arg; replaces glutamine 611 with arginine.
Molecular consequence: missense variant.
Genome position (GRCh38, 1-based): chr6:170,283,447, T>C on the plus strand (A>G on the coding strand, the complement: DLL1 is on the minus strand). VCF-style: chr6-170283447-T-C. GRCh37 (hg19) VCF-style: chr6-170592535-T-C.
Other names: short protein forms Q611R.
Identifiers: ClinVar variation 2757525 (VCV002757525.3), dbSNP rs975249922, ClinGen allele CA152190151.

ClinVar aggregate classification (germline): Uncertain significance (1 of 4 stars; one submission).

Allele frequency attached by ClinVar (database versions not stated): gnomAD exomes below 0.00001; TOPMed below 0.00001.
gnomAD v4.1: 1 of 1,612,346 alleles (0.000062%); highest among the groups gnomAD compares: Non-Finnish European, 0.000085%; no homozygotes.

Submission:

Labcorp Genetics (formerly Invitae), Labcorp
Classification: Uncertain significance. Last evaluated: 2023-09-03. Review status: criteria provided, single submitter. Criteria: Invitae Variant Classification Sherloc (09022015). Collection method: clinical testing. Allele origin: germline.
Comment: This sequence change replaces glutamine, which is neutral and polar, with arginine, which is basic and polar, at codon 611 of the DLL1 protein (p.Gln611Arg). This variant is not present in population databases (gnomAD no frequency). This variant has not been reported in the literature in individuals affected with DLL1-related conditions. An algorithm developed to predict the effect of missense changes on protein structure and function (PolyPhen-2) suggests that this variant is likely to be tolerated. In summary, the available evidence is currently insufficient to determine the role of this variant in disease. Therefore, it has been classified as a Variant of Uncertain Significance.